The following is an entry in ClinVar:

NM_018939.4(PCDHB6):c.1659C>T (p.Asn553=)

Genes: PCDHB6 (protocadherin beta 6; plus strand), PCDHB@ (protocadherin beta cluster; plus strand). Cytogenetic location: 5q31.3.
Variant type: single nucleotide variant.
Coding change: c.1659C>T on transcript NM_018939.4 (MANE Select); coding-DNA position 1659, C replaced by T.
Protein change: p.Asn553=; no amino-acid change (asparagine 553 retained).
Molecular consequence: synonymous variant.
Genome position (GRCh38, 1-based): chr5:141,151,916, C>T. VCF-style: chr5-141151916-C-T. GRCh37 (hg19) VCF-style: chr5-140531497-C-T.
Other names: c.1251C>T, p.Asn417= (NM_001303145.2).
Identifiers: ClinVar variation 2655810 (VCV002655810.24), dbSNP rs781860579, ClinGen allele CA3457841.
Genomic context (GRCh38, chr5:141,151,916, plus strand): 5'-CCGCGGCTCCCCGGCGTTGAGCAGCGAGGCGCTGGTGCGCTTGCTGGTGCTGGACGCCAA[C>T]GACAACTCGCCCTTCGTGTTGTACCCGCTGCAGAACGGCTCCGCGCCCTGCACCGAGCTG-3'
Protein context (NP_061762.2, residues 543-563): ALVRLLVLDA[Asn553=]DNSPFVLYPL

ClinVar aggregate classification (germline): Likely benign (1 of 4 stars; one submission).

Allele frequency attached by ClinVar (database versions not stated): TOPMed below 0.00001.
gnomAD v4.1: 3 of 1,611,684 alleles (0.00019%); highest among the groups gnomAD compares: Non-Finnish European, 0.00025%; no homozygotes.

Submission:

CeGaT Center for Human Genetics Tuebingen
Classification: Likely benign. Last evaluated: 2022-07-01. Review status: criteria provided, single submitter. Criteria: CeGaT Center For Human Genetics Tuebingen Variant Classification Criteria Version 2. Collection method: clinical testing. Allele origin: germline. Affected: yes. Observed: 1 variant allele.
Comment: PCDHB6: BP4, BP7